The following is an entry in ClinVar:

NM_145239.3(PRRT2):c.529G>A (p.Glu177Lys)

Genes: MVP-DT (MVP divergent transcript; minus strand), PRRT2 (proline rich transmembrane protein 2; plus strand). Cytogenetic location: 16p11.2.
Variant type: single nucleotide variant.
Coding change: c.529G>A on transcript NM_145239.3 (MANE Select); coding-DNA position 529, G replaced by A.
Protein change: p.Glu177Lys; replaces glutamic acid 177 with lysine.
Molecular consequence: missense variant.
Genome position (GRCh38, 1-based): chr16:29,813,583, G>A. VCF-style: chr16-29813583-G-A. GRCh37 (hg19) VCF-style: chr16-29824904-G-A.
Other names: c.529G>A, p.Glu177Lys (NM_001256442.2, NM_001256443.2); short protein forms E177K.
Identifiers: ClinVar variation 2690483 (VCV002690483.2), dbSNP rs2543334187, ClinGen allele CA395478889.

ClinVar aggregate classification (germline): Conflicting classifications of pathogenicity. Review status: criteria provided, conflicting classifications (1 of 4 stars). 2 submissions from 2 submitters: Uncertain significance (1); Likely benign (1). Last evaluated 2023-11-19.

Conditions:
Seizures, benign familial infantile, 2 (BFIS2). Also called: CONVULSIONS, BENIGN FAMILIAL INFANTILE, 2. Identifiers: Orphanet 306, MedGen C1853995, MONDO:0011593, OMIM 605751.

Allele frequency attached by ClinVar (database versions not stated): gnomAD exomes below 0.00001.

Submissions (2):

Revvity Omics, Revvity
Classification: Likely benign. Last evaluated: 2023-11-19. Review status: criteria provided, single submitter. Criteria: ACMG Guidelines, 2015. Collection method: clinical testing. Allele origin: germline.

Neuberg Centre For Genomic Medicine, NCGM
Classification: Uncertain significance for Seizures, benign familial infantile, 2. Review status: criteria provided, single submitter. Criteria: ACMG Guidelines, 2015. Collection method: clinical testing. Allele origin: germline. Inheritance: Autosomal dominant inheritance. Affected: yes.
Comment: This variant has previously been reported as uncertain significance in the patients affected with PRRT2-related disorders (Zhao SY et al., 2020).